The following is an entry in ClinVar:

NM_002778.4(PSAP):c.166C>T (p.Pro56Ser)

Gene: PSAP (prosaposin; minus strand). Cytogenetic location: 10q22.1.
Variant type: single nucleotide variant.
Coding change: c.166C>T on transcript NM_002778.4 (MANE Select); coding-DNA position 166, C replaced by T.
Protein change: p.Pro56Ser; replaces proline 56 with serine.
Molecular consequence: missense variant.
Genome position (GRCh38, 1-based): chr10:71,834,380, G>A on the plus strand (C>T on the coding strand, the complement: PSAP is on the minus strand). VCF-style: chr10-71834380-G-A. GRCh37 (hg19) VCF-style: chr10-73594137-G-A.
Other names: c.166C>T, p.Pro56Ser (NM_001042465.3, NM_001042466.3); short protein forms P56S.
Identifiers: ClinVar variation 1406300 (VCV001406300.6), dbSNP rs754702748, ClinGen allele CA209471806.

ClinVar aggregate classification (germline): Uncertain significance. Review status: criteria provided, multiple submitters, no conflicts (2 of 4 stars). 2 submissions from 2 submitters: Uncertain significance (2). Last evaluated 2024-06-12.

Conditions:
Sphingolipid activator protein 1 deficiency. Also called: Saposin B Deficiency; Metachromatic leukodystrophy due to saposin B deficiency; METACHROMATIC LEUKODYSTROPHY DUE TO CEREBROSIDE SULFATASE ACTIVATOR DEFICIENCY. Identifiers: Orphanet 512, MedGen C0268262, MONDO:0009590, OMIM 249900.

Allele frequency attached by ClinVar (database versions not stated): gnomAD exomes below 0.00001 and 0.00001; TOPMed below 0.00001; gnomAD 0.00001.

Submissions (2):

Blueprint Genetics
Classification: Uncertain significance. Last evaluated: 2024-06-12. Review status: criteria provided, single submitter. Criteria: ACMG Guidelines, 2015. Collection method: clinical testing. Allele origin: germline.

Labcorp Genetics (formerly Invitae), Labcorp
Classification: Uncertain significance for Sphingolipid activator protein 1 deficiency. Last evaluated: 2022-01-15. Review status: criteria provided, single submitter. Criteria: Invitae Variant Classification Sherloc (09022015). Collection method: clinical testing. Allele origin: germline.
Comment: This sequence change replaces proline, which is neutral and non-polar, with serine, which is neutral and polar, at codon 56 of the PSAP protein (p.Pro56Ser). The frequency data for this variant in the population databases is considered unreliable, as metrics indicate poor data quality at this position in the gnomAD database. This variant has not been reported in the literature in individuals affected with PSAP-related conditions. Algorithms developed to predict the effect of missense changes on protein structure and function are either unavailable or do not agree on the potential impact of this missense change (SIFT: "Not Available"; PolyPhen-2: "Possibly Damaging"; Align-GVGD: "Not Available"). In summary, the available evidence is currently insufficient to determine the role of this variant in disease. Therefore, it has been classified as a Variant of Uncertain Significance.